The following is an entry in ClinVar:

ClinVar aggregate classification (germline): Pathogenic (1 of 4 stars; one submission).

Conditions:
Candidiasis, familial, 8 (CANDF8). Identifiers: Orphanet 1334, MedGen C3714992, MONDO:0014230, OMIM 615527.

Submission:

Labcorp Genetics (formerly Invitae), Labcorp
Classification: Pathogenic for Candidiasis, familial, 8. Last evaluated: 2022-07-05. Review status: criteria provided, single submitter. Criteria: Invitae Variant Classification Sherloc (09022015). Collection method: clinical testing. Allele origin: germline.
Comment: This sequence change creates a premature translational stop signal (p.Ala117Argfs*79) in the TRAF3IP2 gene. It is expected to result in an absent or disrupted protein product. Loss-of-function variants in TRAF3IP2 are known to be pathogenic (PMID: 24120361). This variant is not present in population databases (gnomAD no frequency). This variant has not been reported in the literature in individuals affected with TRAF3IP2-related conditions. For these reasons, this variant has been classified as Pathogenic.

Literature cited by the submitters: PubMed 24120361.

NM_147686.4(TRAF3IP2):c.349del (p.Ala117fs)

Genes: TRAF3IP2 (TRAF3 interacting protein 2; minus strand), TRAF3IP2-AS1 (TRAF3IP2 antisense RNA 1; plus strand), LOC114803478 (TRAF3IP2 eExon liver enhancer; plus strand). Cytogenetic location: 6q21.
Variant type: Deletion.
Coding change: c.349del on transcript NM_147686.4 (MANE Select); coding-DNA position 349, one base deleted (G; older notation c.349delG).
Protein change: p.Ala117fs; shifts the reading frame from alanine 117.
Molecular consequence: frameshift variant.
Genome position (GRCh38, 1-based): chr6:111,591,738, C deleted on the plus strand (G on the coding strand, the reverse complement: TRAF3IP2 is on the minus strand). VCF-style (leftmost placement, unchanged base first): chr6-111591737-GC-G. GRCh37 (hg19) VCF-style: chr6-111912940-GC-G.
Other names: c.349del, p.Ala117fs (NM_001164281.3); c.376del, p.Ala126fs (NM_147200.3); short protein forms A117fs, A126fs.
Identifiers: ClinVar variation 2083346 (VCV002083346.1), dbSNP rs2536181585, ClinGen allele CA2580074822.
Genomic context (GRCh38, chr6:111,591,737, plus strand): 5'-CGTTTTTCCATAAATGAAAACTGATGCTCTGCAGGGAGGGCTCCAACCACAGACTCAGAC[GC>G]AGGCTCGCTGACTGCAGAGCACCCAGAAGGGAAAGCTTTGCCCAGGCCTGGGTGTCTCCT-3'